The following is an entry in ClinVar:

ClinVar aggregate classification (germline): Uncertain significance. Review status: criteria provided, multiple submitters, no conflicts (2 of 4 stars). 2 submissions from 2 submitters: Uncertain significance (2). Last evaluated 2026-03-23.

Conditions:
CEP290-related disorder. Also called: CEP290-related disorders; CEP290-related condition. Identifiers: MedGen CN239314.

Allele frequency attached by ClinVar (database versions not stated): gnomAD exomes 0.00001; ExAC 0.00002; gnomAD 0.00003; TOPMed 0.00003; 1000 Genomes Project 30x 0.00016; 1000 Genomes Project 0.00020.
gnomAD v4.1: 9 of 1,591,954 alleles (0.00057%); highest among the groups gnomAD compares: African/African-American, 0.0081%; no homozygotes.

Submissions (2):

PreventionGenetics, part of Exact Sciences
Classification: Uncertain significance for CEP290-related condition. Last evaluated: 2026-03-23. Review status: criteria provided, single submitter. Criteria: ACMG Guidelines, 2015. Collection method: clinical testing. Allele origin: germline.
Comment: The CEP290 c.4704+16A>G variant is predicted to interfere with splicing. This variant is predicted to alter splicing based on available splicing prediction programs (SpliceAI, Jaganathan et al. 2019. PubMed ID: 30661751). However, the use of computer prediction programs is not equivalent to functional evidence. To our knowledge, this variant has not been reported in the literature. This variant is reported in 0.019% of alleles in individuals of African descent in gnomAD. At this time, the clinical significance of this variant is uncertain due to the absence of conclusive functional and genetic evidence.

GeneDx
Classification: Uncertain significance. Last evaluated: 2017-11-02. Review status: criteria provided, single submitter. Criteria: GeneDx Variant Classification (06012015). Collection method: clinical testing. Allele origin: germline. Affected: yes.
Comment: The c.4704+16 A>G variant has not been published as a pathogenic variant, nor has it been reported as a benignvariant to our knowledge. This variant is not observed at a significant frequency in large population cohorts (Lek etal., 2016). Several in-silico splice prediction models predict that c.4704+16 A>G creates a cryptic splice donor site which may supplant the natural splice donor site and lead to abnormal gene splicing. However, in the absence of RNA/functional studies, the actual effect of this sequence change in this individual is unknown. Therefore, based onthe currently available information, it is unclear whether this variant is a pathogenic variant or a rare benign variant.

NM_025114.4(CEP290):c.4704+16A>G

Gene: CEP290 (centrosomal protein 290; minus strand). Cytogenetic location: 12q21.32.
Variant type: single nucleotide variant.
Coding change: c.4704+16A>G on transcript NM_025114.4 (MANE Select); 16 bases into the intron after coding-DNA position 4704, A replaced by G.
Molecular consequence: intron variant.
Genome position (GRCh38, 1-based): chr12:88,084,570, T>C on the plus strand (A>G on the coding strand, the complement: CEP290 is on the minus strand). VCF-style: chr12-88084570-T-C. GRCh37 (hg19) VCF-style: chr12-88478347-T-C.
Identifiers: ClinVar variation 453097 (VCV000453097.3), dbSNP rs559388032, ClinGen allele CA6711884.